The following is an entry in ClinVar:

NM_003239.5(TGFB3):c.817C>G (p.His273Asp)

Gene: TGFB3 (transforming growth factor beta 3; minus strand). Cytogenetic location: 14q24.3.
Variant type: single nucleotide variant.
Coding change: c.817C>G on transcript NM_003239.5 (MANE Select); coding-DNA position 817, C replaced by G.
Protein change: p.His273Asp; replaces histidine 273 with aspartic acid.
Molecular consequence: missense variant.
Genome position (GRCh38, 1-based): chr14:75,963,425, G>C on the plus strand (C>G on the coding strand, the complement: TGFB3 is on the minus strand). VCF-style: chr14-75963425-G-C. GRCh37 (hg19) VCF-style: chr14-76429768-G-C.
Other names: c.817C>G, p.His273Asp (NM_001329938.2, NM_001329939.2); short protein forms H273D.
Identifiers: ClinVar variation 1708382 (VCV001708382.2), dbSNP rs2504100008, ClinGen allele CA390468520.

ClinVar aggregate classification (germline): Uncertain significance (1 of 4 stars; one submission).

Submission:

Centre of Medical Genetics, University Hospital Muenster
Classification: Uncertain significance. Last evaluated: 2022-01-05. Review status: criteria provided, single submitter. Criteria: ACMG Guidelines, 2015. Collection method: clinical testing. Allele origin: unknown. Affected: yes. Observed: 1 variant allele, 1 heterozygote.
Comment: ACMG categories: PM2,BP1